The following is an entry in ClinVar:

ClinVar aggregate classification (germline): Pathogenic. Review status: criteria provided, multiple submitters, no conflicts (2 of 4 stars). 2 submissions from 2 submitters: Pathogenic (2). Last evaluated 2025-11-26.

Conditions:
Iodotyrosyl coupling defect (TDH3). Also called: HYPOTHYROIDISM, CONGENITAL, DUE TO DYSHORMONOGENESIS, 3; THYROID HORMONOGENESIS, GENETIC DEFECT IN, 3. Identifiers: Orphanet 95716, MedGen C0342194, MONDO:0010135, OMIM 274700.

Allele frequency attached by ClinVar (database versions not stated): ESP Exome Variant Server 0.00008; ExAC 0.00002.
gnomAD v4.1: 9 of 1,613,854 alleles (0.00056%); highest among the groups gnomAD compares: Middle Eastern, 0.016%; no homozygotes.

Submissions (2):

3billion
Classification: Pathogenic for Iodotyrosyl coupling defect. Last evaluated: 2025-11-26. Review status: criteria provided, single submitter. Criteria: ACMG Guidelines, 2015. Collection method: clinical testing. Allele origin: germline. Affected: yes.
Comment: The variant is observed at an extremely low frequency in the gnomAD v4.1.0 dataset (total allele frequency: 0.001%). Predicted Consequence/Location: Canonical splice site: predicted to alter splicing and result in a loss or disruption of normal protein function. Multiple pathogenic loss-of-function variants are reported downstream of the variant. In silico tools predict the variant to alter splicing and produce an abnormal transcript [SpliceAI: 1.00 (spliceogenicity >=0.2, non-spliceogenicity <0.1)]. The variant is in trans with the other variant. The variant has been reported at least twice as pathogenic without evidence for the classification (ClinVar ID: VCV000684547 /PMID: 11484898). Therefore, this variant is classified as Pathogenic according to the recommendation of ACMG/AMP guideline.

Labcorp Genetics (formerly Invitae), Labcorp
Classification: Pathogenic. Last evaluated: 2023-08-28. Review status: criteria provided, single submitter. Criteria: Invitae Variant Classification Sherloc (09022015). Collection method: clinical testing. Allele origin: germline.
Comment: For these reasons, this variant has been classified as Pathogenic. Studies have shown that disruption of this splice site results in skipping of exon 30, but is expected to preserve the integrity of the reading-frame (PMID: 11484898, 23457313). This variant is also known as IVS30+1G>A. Disruption of this splice site has been observed in individuals with congenital hypothyroidism (PMID: 11484898, 16720658, 23457313). This variant is present in population databases (rs374620255, gnomAD 0.0009%). This sequence change affects a donor splice site in intron 30 of the TG gene. RNA analysis indicates that disruption of this splice site induces altered splicing and likely results in a shortened protein product.

Literature cited by the submitters: PubMed 16720658 (cited by 3billion and Labcorp Genetics (formerly Invitae), Labcorp); PubMed 11484898 (cited by Labcorp Genetics (formerly Invitae), Labcorp); PubMed 23457313 (cited by Labcorp Genetics (formerly Invitae), Labcorp).

NM_003235.5(TG):c.5686+1G>A

Gene: TG (thyroglobulin; plus strand). Cytogenetic location: 8q24.22.
Variant type: single nucleotide variant.
Coding change: c.5686+1G>A on transcript NM_003235.5 (MANE Select); the canonical splice donor site of the intron after coding-DNA position 5686, G replaced by A.
Molecular consequence: splice donor variant.
Genome position (GRCh38, 1-based): chr8:132,966,698, G>A. VCF-style: chr8-132966698-G-A. GRCh37 (hg19) VCF-style: chr8-133978943-G-A.
Identifiers: ClinVar variation 2735220 (VCV002735220.4), dbSNP rs374620255, ClinGen allele CA4884587.